The following is an entry in ClinVar:

NC_000002.11:g.(?_215917191)_(215919408_?)del

Gene: ABCA12 (ATP binding cassette subfamily A member 12; minus strand). Cytogenetic location: 2q35.
Variant type: Deletion.
Identifiers: ClinVar variation 2427498 (VCV002427498.4).

ClinVar aggregate classification (germline): Pathogenic (1 of 4 stars; one submission).

Submission:

Labcorp Genetics (formerly Invitae), Labcorp
Classification: Pathogenic. Last evaluated: 2023-05-27. Review status: criteria provided, single submitter. Criteria: Invitae Variant Classification Sherloc (09022015). Collection method: clinical testing. Allele origin: germline.
Comment: For these reasons, this variant has been classified as Pathogenic. This variant has not been reported in the literature in individuals affected with ABCA12-related conditions. This variant is a gross deletion of the genomic region encompassing exon(s) 4-5 of the ABCA12 gene. This deletion is out-of-frame, and is expected to create a premature termination codon and result in an absent or disrupted protein product. Loss-of-function variants in ABCA12 are known to be pathogenic (PMID: 20672373).

Literature cited by the submitters: PubMed 20672373.